The following is an entry in ClinVar:

NM_012418.4(FSCN2):c.325C>A (p.Arg109Ser)

Gene: FSCN2 (fascin actin-bundling protein 2, retinal; plus strand). Cytogenetic location: 17q25.3.
Variant type: single nucleotide variant.
Coding change: c.325C>A on transcript NM_012418.4 (MANE Select); coding-DNA position 325, C replaced by A.
Protein change: p.Arg109Ser; replaces arginine 109 with serine.
Molecular consequence: missense variant.
Genome position (GRCh38, 1-based): chr17:81,528,856, C>A. VCF-style: chr17-81528856-C-A. GRCh37 (hg19) VCF-style: chr17-79495882-C-A.
Other names: c.325C>A, p.Arg109Ser (NM_001077182.3); short protein forms R109S.
Identifiers: ClinVar variation 1392984 (VCV001392984.6), dbSNP rs782756163, ClinGen allele CA401470544.

ClinVar aggregate classification (germline): Uncertain significance (1 of 4 stars; one submission).

Submission:

Labcorp Genetics (formerly Invitae), Labcorp
Classification: Uncertain significance. Last evaluated: 2022-08-23. Review status: criteria provided, single submitter. Criteria: Invitae Variant Classification Sherloc (09022015). Collection method: clinical testing. Allele origin: germline.
Comment: In summary, the available evidence is currently insufficient to determine the role of this variant in disease. Therefore, it has been classified as a Variant of Uncertain Significance. Algorithms developed to predict the effect of missense changes on protein structure and function are either unavailable or do not agree on the potential impact of this missense change (SIFT: "Tolerated"; PolyPhen-2: "Probably Damaging"; Align-GVGD: "Class C0"). ClinVar contains an entry for this variant (Variation ID: 1392984). This variant has not been reported in the literature in individuals affected with FSCN2-related conditions. This variant is present in population databases (no rsID available, gnomAD 0.01%). This sequence change replaces arginine, which is basic and polar, with serine, which is neutral and polar, at codon 109 of the FSCN2 protein (p.Arg109Ser).